The following is an entry in ClinVar:

NM_004409.5(DMPK):c.*224CTG[353]

Genes: DM1-AS (DM1 locus antisense RNA; plus strand), DMPK (DM1 protein kinase; minus strand), LOC107075317 (origin of replication in DMPK trinucleotide repeat region; plus strand), LOC109461477 (dystrophia myotonica protein kinase repeat instability region; plus strand). Cytogenetic location: 19q13.32.
Variant type: Microsatellite.
Coding change: c.*224CTG[353] on transcript NM_004409.5 (MANE Select); 353 copies in a row of the 3-base unit CTG starting at c.*224.
Molecular consequence: 3 prime UTR variant.
Genome position: GRCh38, VCF-style position (the base before the change): chr19:45,770,204. GRCh37 (hg19), VCF-style position (the base before the change): chr19:46,273,462.
Other names: DM1 CTG repeat expansion; c.*217CTG[353] (NM_001424163.1, NM_001424162.1, NM_001081562.3 and 2 more transcripts); c.*369CTG[353] (NM_001424164.1, NM_001288766.2, NM_001424168.1); c.*224CTG[353] (NM_001424165.1, NM_001081560.3, NM_001288764.2 and 1 more transcripts); c.*222_*224TGC[353] (NM_001081563.3).
Identifiers: ClinVar variation 187965 (VCV000187965.1), ClinGen allele CA915951773.

ClinVar aggregate classification (germline): Pathogenic (0 of 4 stars; one submission).

Conditions:
Steinert myotonic dystrophy syndrome (DM1). Also called: STEINERT DISEASE; Myotonic dystrophy type 1; Dystrophia myotonica type 1; Steinert myotonic dystrophy; Steinert's disease. Identifiers: Orphanet 273, MedGen C3250443, MONDO:0008056, OMIM 160900.

Submission:

Institute of Molecular, Cell and Systems Biology, University of Glasgow
Classification: Pathogenic for Steinert myotonic dystrophy syndrome. Review status: no assertion criteria provided. Criteria: research. Collection method: research. Allele origin: germline. Inheritance: Autosomal dominant inheritance. Affected: yes. Observed: 1 heterozygote.
Comment: DMPK CTG repeat expansions greater than approximately 45-50 repeats are assumed to be pathogenic

This record is based on data published in PubMed 25052313, which reports only ClinVar accessions SCV000120188 and SCV000120189. The complete data set includes SCV000207445 - SCV000207579.

Literature cited by the submitters: PubMed 1346923; PubMed 1546326; PubMed 25052313.